The following is an entry in ClinVar:

ClinVar aggregate classification (germline): Uncertain significance. Review status: criteria provided, multiple submitters, no conflicts (2 of 4 stars). 3 submissions from 3 submitters: Uncertain significance (3). Last evaluated 2025-08-17.

Conditions:
Hereditary cancer-predisposing syndrome. Also called: Tumor predisposition; Neoplastic Syndromes, Hereditary; Hereditary Cancer Syndrome; Hereditary neoplastic syndrome. Identifiers: Orphanet 140162, MedGen C0027672, MeSH D009386, MONDO:0015356.
POLD1-related polyposis and colorectal cancer syndrome (CRCS10). Also called: Colorectal cancer 10; COLORECTAL CANCER, SUSCEPTIBILITY TO, ON CHROMOSOME 19q; Colorectal cancer, susceptibility to, 10. Identifiers: Orphanet 220460, MedGen C2675481, MONDO:0012953, OMIM 612591.

gnomAD v4.1: 1 of 1,612,436 alleles (0.000062%); no homozygotes.

Submissions (3):

Labcorp Genetics (formerly Invitae), Labcorp
Classification: Uncertain significance for POLD1-related polyposis and colorectal cancer syndrome. Last evaluated: 2025-08-17. Review status: criteria provided, single submitter. Criteria: Invitae Variant Classification Sherloc (09022015). Collection method: clinical testing. Allele origin: germline.
Comment: This sequence change replaces threonine, which is neutral and polar, with proline, which is neutral and non-polar, at codon 740 of the POLD1 protein (p.Thr740Pro). This variant is not present in population databases (gnomAD no frequency). This variant has not been reported in the literature in individuals affected with POLD1-related conditions. ClinVar contains an entry for this variant (Variation ID: 579212). Invitae Evidence Modeling of protein sequence and biophysical properties (such as structural, functional, and spatial information, amino acid conservation, physicochemical variation, residue mobility, and thermodynamic stability) indicates that this missense variant is not expected to disrupt POLD1 protein function with a negative predictive value of 80%. In summary, the available evidence is currently insufficient to determine the role of this variant in disease. Therefore, it has been classified as a Variant of Uncertain Significance.

GeneDx
Classification: Uncertain significance. Last evaluated: 2024-01-09. Review status: criteria provided, single submitter. Criteria: GeneDx Variant Classification Process June 2021. Collection method: clinical testing. Allele origin: germline. Affected: yes.
Comment: Not observed at significant frequency in large population cohorts (gnomAD); In silico analysis supports that this missense variant has a deleterious effect on protein structure/function; Has not been previously published as pathogenic or benign to our knowledge

Ambry Genetics
Classification: Uncertain significance for Hereditary cancer-predisposing syndrome. Last evaluated: 2023-12-10. Review status: criteria provided, single submitter. Criteria: Ambry Variant Classification Scheme 2023. Collection method: clinical testing. Allele origin: germline.
Comment: The p.T740P variant (also known as c.2218A>C), located in coding exon 17 of the POLD1 gene, results from an A to C substitution at nucleotide position 2218. The threonine at codon 740 is replaced by proline, an amino acid with highly similar properties. This amino acid position is conserved. In addition, the in silico prediction for this alteration is inconclusive. Since supporting evidence is limited at this time, the clinical significance of this alteration remains unclear.

NM_002691.4(POLD1):c.2218A>C (p.Thr740Pro)

Gene: POLD1 (DNA polymerase delta 1, catalytic subunit; plus strand). Cytogenetic location: 19q13.33.
Variant type: single nucleotide variant.
Coding change: c.2218A>C on transcript NM_002691.4 (MANE Select); coding-DNA position 2218, A replaced by C.
Protein change: p.Thr740Pro; replaces threonine 740 with proline.
Molecular consequence: missense variant. On other transcripts: non-coding transcript variant (1).
Genome position (GRCh38, 1-based): chr19:50,413,489, A>C. VCF-style: chr19-50413489-A-C. GRCh37 (hg19) VCF-style: chr19-50916746-A-C.
Other names: c.2218A>C, p.Thr740Pro (NM_001256849.1); c.2296A>C, p.Thr766Pro (NM_001308632.1); short protein forms T740P, T766P.
Identifiers: ClinVar variation 579212 (VCV000579212.14), dbSNP rs781629170, ClinGen allele CA406983711.